The following is an entry in ClinVar:

NM_005120.3(MED12):c.4979C>G (p.Thr1660Ser)

Gene: MED12 (mediator complex subunit 12; plus strand). Cytogenetic location: Xq13.1.
Variant type: single nucleotide variant.
Coding change: c.4979C>G on transcript NM_005120.3 (MANE Select); coding-DNA position 4979, C replaced by G.
Protein change: p.Thr1660Ser; replaces threonine 1660 with serine.
Molecular consequence: missense variant.
Genome position (GRCh38, 1-based): chrX:71,135,207, C>G. VCF-style: chrX-71135207-C-G. GRCh37 (hg19) VCF-style: chrX-70355057-C-G.
Other names: short protein forms T1660S.
Identifiers: ClinVar variation 2763013 (VCV002763013.3), dbSNP rs2519708891, ClinGen allele CA413533173.

ClinVar aggregate classification (germline): Uncertain significance (1 of 4 stars; one submission).

Conditions:
FG syndrome (FGS). Identifiers: MedGen C0220769, MONDO:0002010.

Submission:

Labcorp Genetics (formerly Invitae), Labcorp
Classification: Uncertain significance for FG syndrome. Last evaluated: 2023-09-23. Review status: criteria provided, single submitter. Criteria: Invitae Variant Classification Sherloc (09022015). Collection method: clinical testing. Allele origin: germline.
Comment: This sequence change replaces threonine, which is neutral and polar, with serine, which is neutral and polar, at codon 1660 of the MED12 protein (p.Thr1660Ser). This variant is not present in population databases (gnomAD no frequency). This variant has not been reported in the literature in individuals affected with MED12-related conditions. Advanced modeling of protein sequence and biophysical properties (such as structural, functional, and spatial information, amino acid conservation, physicochemical variation, residue mobility, and thermodynamic stability) performed at Invitae indicates that this missense variant is not expected to disrupt MED12 protein function. In summary, the available evidence is currently insufficient to determine the role of this variant in disease. Therefore, it has been classified as a Variant of Uncertain Significance.